The following is an entry in ClinVar:

NM_004082.5(DCTN1):c.2071G>C (p.Glu691Gln)

Gene: DCTN1 (dynactin subunit 1; minus strand). Cytogenetic location: 2p13.1.
Variant type: single nucleotide variant.
Coding change: c.2071G>C on transcript NM_004082.5 (MANE Select); coding-DNA position 2071, G replaced by C.
Protein change: p.Glu691Gln; replaces glutamic acid 691 with glutamine.
Molecular consequence: missense variant. On other transcripts: non-coding transcript variant (1).
Genome position (GRCh38, 1-based): chr2:74,367,809, C>G on the plus strand (G>C on the coding strand, the complement: DCTN1 is on the minus strand). VCF-style: chr2-74367809-C-G. GRCh37 (hg19) VCF-style: chr2-74594936-C-G.
Other names: c.1669G>C, p.Glu557Gln (NM_023019.4, NM_001135041.3); c.2011G>C, p.Glu671Gln (NM_001135040.3); c.1960G>C, p.Glu654Gln (NM_001190836.2); c.2050G>C, p.Glu684Gln (NM_001190837.2); c.2020G>C, p.Glu674Gln (NM_001378991.1); c.2002G>C, p.Glu668Gln (NM_001378992.1); short protein forms E557Q, E654Q, E668Q, E671Q, E674Q, E684Q, E691Q.
Identifiers: ClinVar variation 1018405 (VCV001018405.10), dbSNP rs1674536343, ClinGen allele CA347351236.
Genomic context (GRCh38, chr2:74,367,809, plus strand): 5'-GCTGATCCTTGTGCAGCAGTTCAATGAGGAAATCCAAGGAGCGCTCATGGGCACTCATCT[C>G]AGGGTACAGGCTGCCCACTTTCTTATACACATCCACACTGCACTGAGAGAGGGCACTAGA-3'
Protein context (NP_004073.2, residues 681-701): VYKKVGSLYP[Glu691Gln]MSAHERSLDF

ClinVar aggregate classification (germline): Uncertain significance. Review status: criteria provided, multiple submitters, no conflicts (2 of 4 stars). 2 submissions from 2 submitters: Uncertain significance (2). Last evaluated 2024-08-30.

Conditions:
Amyotrophic lateral sclerosis type 1 (ALS1). Also called: AMYOTROPHIC LATERAL SCLEROSIS 1, FAMILIAL. Identifiers: Orphanet 803, MedGen C1862939, MONDO:0007103, OMIM 105400.
Neuronopathy, distal hereditary motor, type 7B. Also called: Distal Hereditary Motor Neuronopathy Type 7B (dHMN7B); HMN VIIB; LOWER MOTOR NEURON DISEASE, DYNACTIN TYPE; NEURONOPATHY, DISTAL HEREDITARY MOTOR, AUTOSOMAL DOMINANT 14; NEURONOPATHY, DISTAL HEREDITARY MOTOR, HARDING TYPE VIIB; NEUROPATHY, DISTAL HEREDITARY MOTOR, HARDING TYPE VIIB. Identifiers: Orphanet 139589, MedGen C1843315, MONDO:0011879, OMIM 607641.
Perry syndrome. Also called: PARKINSONISM WITH ALVEOLAR HYPOVENTILATION AND MENTAL DEPRESSION. Identifiers: Orphanet 178509, MedGen C1868594, MONDO:0008201, OMIM 168605.

Submissions (2):

Blueprint Genetics
Classification: Uncertain significance. Last evaluated: 2024-08-30. Review status: criteria provided, single submitter. Criteria: ACMG Guidelines, 2015. Collection method: clinical testing. Allele origin: germline.

Labcorp Genetics (formerly Invitae), Labcorp
Classification: Uncertain significance for Amyotrophic lateral sclerosis type 1; Neuronopathy, distal hereditary motor, type 7B; Perry syndrome. Last evaluated: 2020-03-05. Review status: criteria provided, single submitter. Criteria: Invitae Variant Classification Sherloc (09022015). Collection method: clinical testing. Allele origin: germline.
Comment: This variant has been observed in individual(s) with parkinsonism and dementia (PMID: 27132499). Algorithms developed to predict the effect of missense changes on protein structure and function (SIFT, PolyPhen-2, Align-GVGD) all suggest that this variant is likely to be disruptive, but these predictions have not been confirmed by published functional studies and their clinical significance is uncertain. In summary, the available evidence is currently insufficient to determine the role of this variant in disease. Therefore, it has been classified as a Variant of Uncertain Significance. This variant is not present in population databases (ExAC no frequency). This sequence change replaces glutamic acid with glutamine at codon 691 of the DCTN1 protein (p.Glu691Gln). The glutamic acid residue is highly conserved and there is a small physicochemical difference between glutamic acid and glutamine.

Literature cited by the submitters: PubMed 27132499 (cited by Labcorp Genetics (formerly Invitae), Labcorp).